The following is an entry in ClinVar:

ClinVar aggregate classification (germline): Conflicting classifications of pathogenicity. Review status: criteria provided, conflicting classifications (1 of 4 stars). 4 submissions from 4 submitters: Uncertain significance (2); Likely benign (1). 1 of the submissions does not count toward it. Last evaluated 2022-05-25.

Conditions:
Floating-Harbor syndrome (FLHS). Also called: Short stature with delayed bone age, expressive language delay, a triangular face with a prominent nose and deep-set eyes; Pelletier-Leisti syndrome; SRCAP-Related Floating-Harbor Syndrome. Identifiers: Orphanet 2044, MedGen C0729582, MONDO:0007621, OMIM 136140.
Developmental delay, hypotonia, musculoskeletal defects, and behavioral abnormalities. Identifiers: MedGen C5562012, MONDO:0859202, OMIM 619595.
SRCAP-related disorder. Also called: SRCAP-related condition.
Inborn genetic diseases. Identifiers: MedGen C0950123, MeSH D030342.

Allele frequency attached by ClinVar (database versions not stated): TOPMed 0.00002; ExAC 0.00004; gnomAD exomes 0.00004; gnomAD 0.00005 and 0.00006.
gnomAD v4.1: 78 of 1,613,958 alleles (0.0048%); highest among the groups gnomAD compares: African/African-American, 0.0094%; no homozygotes.

Submissions (4):

Ambry Genetics
Classification: Likely benign for Inborn genetic diseases. Last evaluated: 2022-05-25. Review status: criteria provided, single submitter. Criteria: Ambry Variant Classification Scheme 2023. Collection method: clinical testing. Allele origin: germline.

Fulgent Genetics
Classification: Uncertain significance for Floating-Harbor syndrome; Developmental delay, hypotonia, musculoskeletal defects, and behavioral abnormalities. Last evaluated: 2022-04-22. Review status: criteria provided, single submitter. Criteria: ACMG Guidelines, 2015. Collection method: clinical testing. Allele origin: unknown.

Eurofins Ntd Llc (ga)
Classification: Uncertain significance. Last evaluated: 2014-06-10. Review status: criteria provided, single submitter. Criteria: EGL Classification Definitions 2015. Collection method: clinical testing. Allele origin: germline. Observed: 1 variant allele, 1 heterozygote.

PreventionGenetics, part of Exact Sciences
Classification: Likely benign for SRCAP-related condition. Last evaluated: 2023-12-05. Review status: no assertion criteria provided. Collection method: clinical testing. Allele origin: germline. Not counted in ClinVar's aggregate classification.
Comment: This variant is classified as likely benign based on ACMG/AMP sequence variant interpretation guidelines (Richards et al. 2015 PMID: 25741868, with internal and published modifications).

NM_006662.3(SRCAP):c.4355C>T (p.Ser1452Leu)

Gene: SRCAP (Snf2 related CREBBP activator protein; plus strand). Cytogenetic location: 16p11.2.
Variant type: single nucleotide variant.
Coding change: c.4355C>T on transcript NM_006662.3 (MANE Select); coding-DNA position 4355, C replaced by T.
Protein change: p.Ser1452Leu; replaces serine 1452 with leucine.
Molecular consequence: missense variant.
Genome position (GRCh38, 1-based): chr16:30,723,779, C>T. VCF-style: chr16-30723779-C-T. GRCh37 (hg19) VCF-style: chr16-30735100-C-T.
Other names: short protein forms S1452L.
Identifiers: ClinVar variation 195888 (VCV000195888.10), dbSNP rs200175704, ClinGen allele CA242554.
Genomic context (GRCh38, chr16:30,723,779, plus strand): 5'-CAGTTCCATTGTCATCTTCACTCCCCATCTCTGTCCCCACCACACTTCCTGCCCCAGCCT[C>T]GGCTCCACTCACCATCCCCATCTCAGCCCCCTTGACTGTTTCTGCTTCGGGCCCAGCTCT-3'
Protein context (NP_006653.2, residues 1442-1462): SVPTTLPAPA[Ser1452Leu]APLTIPISAP